The following is an entry in ClinVar:

ClinVar aggregate classification (germline): Uncertain significance (1 of 4 stars; one submission).

Allele frequency attached by ClinVar (database versions not stated): gnomAD 0.00001; TOPMed 0.00001; gnomAD exomes 0.00002; ExAC 0.00005; ESP Exome Variant Server 0.00015.
gnomAD v4.1: 60 of 1,603,592 alleles (0.0037%); highest among the groups gnomAD compares: Non-Finnish European, 0.005%; no homozygotes.

Submission:

Labcorp Genetics (formerly Invitae), Labcorp
Classification: Uncertain significance. Last evaluated: 2024-11-05. Review status: criteria provided, single submitter. Criteria: Invitae Variant Classification Sherloc (09022015). Collection method: clinical testing. Allele origin: germline.
Comment: This sequence change replaces serine, which is neutral and polar, with leucine, which is neutral and non-polar, at codon 1962 of the HMCN1 protein (p.Ser1962Leu). This variant is present in population databases (rs367776519, gnomAD 0.007%). This variant has not been reported in the literature in individuals affected with HMCN1-related conditions. ClinVar contains an entry for this variant (Variation ID: 1410695). An algorithm developed to predict the effect of missense changes on protein structure and function outputs the following: PolyPhen-2: "Benign". The leucine amino acid residue is found in multiple mammalian species, which suggests that this missense change does not adversely affect protein function. In summary, the available evidence is currently insufficient to determine the role of this variant in disease. Therefore, it has been classified as a Variant of Uncertain Significance.

NM_031935.3(HMCN1):c.5885C>T (p.Ser1962Leu)

Gene: HMCN1 (hemicentin 1; plus strand). Cytogenetic location: 1q31.1.
Variant type: single nucleotide variant.
Coding change: c.5885C>T on transcript NM_031935.3 (MANE Select); coding-DNA position 5885, C replaced by T.
Protein change: p.Ser1962Leu; replaces serine 1962 with leucine.
Molecular consequence: missense variant.
Genome position (GRCh38, 1-based): chr1:186,038,862, C>T. VCF-style: chr1-186038862-C-T. GRCh37 (hg19) VCF-style: chr1-186007994-C-T.
Other names: short protein forms S1962L.
Identifiers: ClinVar variation 1410695 (VCV001410695.6), dbSNP rs367776519, ClinGen allele CA1292412.